The following is an entry in ClinVar:

ClinVar aggregate classification (germline): Likely benign. Review status: criteria provided, multiple submitters, no conflicts (2 of 4 stars). 2 submissions from 2 submitters: Likely benign (2). Last evaluated 2026-07-01.

gnomAD v4.1: 98 of 1,612,616 alleles (0.0061%); highest among the groups gnomAD compares: Non-Finnish European, 0.008%; no homozygotes.

Submissions (2):

CeGaT Center for Human Genetics Tuebingen
Classification: Likely benign. Last evaluated: 2026-07-01. Review status: criteria provided, single submitter. Criteria: CeGaT Center For Human Genetics Tuebingen Variant Classification Criteria Version 2. Collection method: clinical testing. Allele origin: germline. Affected: yes. Observed: 1 variant allele.
Comment: ZBTB11: BP4, BP7

Blueprint Genetics
Classification: Likely benign. Last evaluated: 2024-10-03. Review status: criteria provided, single submitter. Criteria: ACMG Guidelines, 2015. Collection method: clinical testing. Allele origin: germline.

NM_014415.4(ZBTB11):c.3096A>G (p.Leu1032=)

Gene: ZBTB11 (zinc finger and BTB domain containing 11; minus strand). Cytogenetic location: 3q12.3.
Variant type: single nucleotide variant.
Coding change: c.3096A>G on transcript NM_014415.4 (MANE Select); coding-DNA position 3096, A replaced by G.
Protein change: p.Leu1032=; no amino-acid change (leucine 1032 retained).
Molecular consequence: synonymous variant.
Genome position (GRCh38, 1-based): chr3:101,651,232, T>C on the plus strand (A>G on the coding strand, the complement: ZBTB11 is on the minus strand). VCF-style: chr3-101651232-T-C. GRCh37 (hg19) VCF-style: chr3-101370076-T-C.
Identifiers: ClinVar variation 4963605 (VCV004963605.2).